The following is an entry in ClinVar:

NM_004563.4(PCK2):c.1429G>C (p.Ala477Pro)

Genes: NRL (neural retina leucine zipper; minus strand), PCK2 (phosphoenolpyruvate carboxykinase 2, mitochondrial; plus strand). Cytogenetic location: 14q12.
Variant type: single nucleotide variant.
Coding change: c.1429G>C on transcript NM_004563.4 (MANE Select); coding-DNA position 1429, G replaced by C.
Protein change: p.Ala477Pro; replaces alanine 477 with proline.
Molecular consequence: missense variant. On other transcripts: intron variant (3).
Genome position (GRCh38, 1-based): chr14:24,103,216, G>C. VCF-style: chr14-24103216-G-C. GRCh37 (hg19) VCF-style: chr14-24572425-G-C.
Other names: c.-28+11506C>G (NM_001354768.3, NM_001354770.2); c.-254+11506C>G (NM_006177.5); c.1027G>C, p.Ala343Pro (NM_001291556.2, NM_001308054.2); short protein forms A477P, A343P.
Identifiers: ClinVar variation 1513049 (VCV001513049.6), dbSNP rs61737097, ClinGen allele CA257849634.

ClinVar aggregate classification (germline): Uncertain significance (1 of 4 stars; one submission).

Submission:

Labcorp Genetics (formerly Invitae), Labcorp
Classification: Uncertain significance. Last evaluated: 2022-10-13. Review status: criteria provided, single submitter. Criteria: Invitae Variant Classification Sherloc (09022015). Collection method: clinical testing. Allele origin: germline.
Comment: This sequence change replaces alanine, which is neutral and non-polar, with proline, which is neutral and non-polar, at codon 477 of the PCK2 protein (p.Ala477Pro). This variant is not present in population databases (gnomAD no frequency). This variant has not been reported in the literature in individuals affected with PCK2-related conditions. ClinVar contains an entry for this variant (Variation ID: 1513049). Advanced modeling of protein sequence and biophysical properties (such as structural, functional, and spatial information, amino acid conservation, physicochemical variation, residue mobility, and thermodynamic stability) has been performed at Invitae for this missense variant, however the output from this modeling did not meet the statistical confidence thresholds required to predict the impact of this variant on PCK2 protein function. In summary, the available evidence is currently insufficient to determine the role of this variant in disease. Therefore, it has been classified as a Variant of Uncertain Significance.